The following is an entry in ClinVar:

NM_006231.4(POLE):c.1226+7G>A

Gene: POLE (DNA polymerase epsilon, catalytic subunit; minus strand). Cytogenetic location: 12q24.33.
Variant type: single nucleotide variant.
Coding change: c.1226+7G>A on transcript NM_006231.4 (MANE Select); 7 bases into the intron after coding-DNA position 1226, G replaced by A.
Molecular consequence: intron variant.
Genome position (GRCh38, 1-based): chr12:132,675,391, C>T on the plus strand (G>A on the coding strand, the complement: POLE is on the minus strand). VCF-style: chr12-132675391-C-T. GRCh37 (hg19) VCF-style: chr12-133251977-C-T.
Identifiers: ClinVar variation 1481253 (VCV001481253.9), dbSNP rs2136008190, ClinGen allele CA2573148341.

ClinVar aggregate classification (germline): Likely benign. Review status: criteria provided, multiple submitters, no conflicts (2 of 4 stars). 2 submissions from 2 submitters: Likely benign (2). Last evaluated 2025-02-10.

Conditions:
Colorectal cancer, susceptibility to, 12 (CRCS12). Also called: COLORECTAL CANCER, SUSCEPTIBILITY TO, ON CHROMOSOME 12q24. Identifiers: Orphanet 220460, MedGen C3554460, MONDO:0014038, OMIM 615083.

Allele frequency attached by ClinVar (database versions not stated): gnomAD exomes below 0.00001.

Submissions (2):

Myriad Genetics, Inc.
Classification: Likely benign for Colorectal cancer, susceptibility to, 12. Last evaluated: 2025-02-10. Review status: criteria provided, single submitter. Criteria: Myriad Autosomal Dominant, Autosomal Recessive and X-Linked Classification Criteria (2023). Collection method: clinical testing. Allele origin: unknown.
Comment: This variant is considered likely benign. This variant is intronic and is not expected to impact mRNA splicing.

Labcorp Genetics (formerly Invitae), Labcorp
Classification: Likely benign. Last evaluated: 2023-09-09. Review status: criteria provided, single submitter. Criteria: Invitae Variant Classification Sherloc (09022015). Collection method: clinical testing. Allele origin: germline.